The following is an entry in ClinVar:

ClinVar aggregate classification (germline): Uncertain significance (1 of 4 stars; one submission).

Submission:

GeneDx
Classification: Uncertain significance. Last evaluated: 2026-04-18. Review status: criteria provided, single submitter. Criteria: GeneDx Variant Classification Process June 2021. Collection method: clinical testing. Allele origin: germline.
Comment: Not observed at significant frequency in large population cohorts (gnomAD); Canonical splice site variant with an unclear effect on protein function; Has not been previously published as pathogenic or benign to our knowledge

NM_001379451.1(BCORL1):c.3689-1G>A

Gene: BCORL1 (BCL6 corepressor like 1; plus strand). Cytogenetic location: Xq26.1.
Variant type: single nucleotide variant.
Coding change: c.3689-1G>A on transcript NM_001379451.1 (MANE Select); the canonical splice acceptor site of the intron before coding-DNA position 3689, G replaced by A.
Molecular consequence: splice acceptor variant.
Genome position (GRCh38, 1-based): chrX:130,024,989, G>A. VCF-style: chrX-130024989-G-A. GRCh37 (hg19) VCF-style: chrX-129158964-G-A.
Other names: c.3689-1G>A (NM_001184772.3, NM_001379450.1, NM_021946.5).
Identifiers: ClinVar variation 1702838 (VCV001702838.3), dbSNP rs2124487765, ClinGen allele CA414597306.